The following is an entry in ClinVar:

NM_000061.3(BTK):c.391+1G>A

Gene: BTK (Bruton tyrosine kinase; minus strand). Cytogenetic location: Xq22.1.
Variant type: single nucleotide variant.
Coding change: c.391+1G>A on transcript NM_000061.3 (MANE Select); the canonical splice donor site of the intron after coding-DNA position 391, G replaced by A.
Molecular consequence: splice donor variant.
Genome position (GRCh38, 1-based): chrX:101,369,997, C>T on the plus strand (G>A on the coding strand, the complement: BTK is on the minus strand). VCF-style: chrX-101369997-C-T. GRCh37 (hg19) VCF-style: chrX-100624985-C-T.
Other names: c.493+1G>A (NM_001287344.2); c.391+1G>A (NM_001287345.2).
Identifiers: ClinVar variation 1362809 (VCV001362809.6), dbSNP rs2147443380, ClinGen allele CA413936829.

ClinVar aggregate classification (germline): Pathogenic (1 of 4 stars; one submission).

Conditions:
X-linked agammaglobulinemia with growth hormone deficiency (IGHD3). Also called: FLEISHER SYNDROME; HYPOGAMMAGLOBULINEMIA AND ISOLATED GROWTH HORMONE DEFICIENCY, X-LINKED; IGHD III; Isolated growth hormone deficiency type 3; Growth hormone deficiency with hypogammaglobulinemia; AGAMMAGLOBULINEMIA AND ISOLATED GROWTH HORMONE DEFICIENCY, X-LINKED. Identifiers: Orphanet 231692, Orphanet 631, MedGen C0472813, MONDO:0010615, OMIM 307200.

Submission:

Labcorp Genetics (formerly Invitae), Labcorp
Classification: Pathogenic for X-linked agammaglobulinemia with growth hormone deficiency. Last evaluated: 2022-06-13. Review status: criteria provided, single submitter. Criteria: Invitae Variant Classification Sherloc (09022015). Collection method: clinical testing. Allele origin: germline.
Comment: For these reasons, this variant has been classified as Pathogenic. Studies have shown that disruption of this splice site results in skipping of exon 5 and introduces a premature termination codon (PMID: 12405164, 17045652). The resulting mRNA is expected to undergo nonsense-mediated decay. This variant is also known as c.523+1G>A. Disruption of this splice site has been observed in individuals with X-linked agammaglobulinemia (PMID: 12405164, 17045652, 23335184, 30072168). It has also been observed to segregate with disease in related individuals. This variant is not present in population databases (gnomAD no frequency). This sequence change affects a donor splice site in intron 5 of the BTK gene. RNA analysis indicates that disruption of this splice site induces altered splicing and may result in an absent or disrupted protein product.

Literature cited by the submitters: PubMed 12405164; PubMed 17045652; PubMed 23335184; PubMed 30072168.